The following is an entry in ClinVar:

ClinVar aggregate classification (germline): Benign. Review status: criteria provided, multiple submitters, no conflicts (2 of 4 stars). 2 submissions from 2 submitters: Benign (2). Last evaluated 2018-01-13.

Conditions:
Farber lipogranulomatosis (FRBRL). Also called: Farber's lipogranulomatosis; Farber's disease; Farber disease; AC DEFICIENCY; ACID CERAMIDASE DEFICIENCY; CERAMIDASE DEFICIENCY. Identifiers: Orphanet 333, MedGen C0268255, MONDO:0009218, OMIM 228000.

Allele frequency attached by ClinVar (database versions not stated): gnomAD exomes 0.10000; gnomAD 0.16885 and 0.17201; TOPMed 0.18519; 1000 Genomes Project 0.27496; 1000 Genomes Project 30x 0.27498.
gnomAD v4.1: 25,953 of 152,058 alleles (17%); highest among the groups gnomAD compares: African/African-American, 35%; 3,515 homozygotes.

Submissions (2):

Illumina Laboratory Services, Illumina
Classification: Benign for Farber lipogranulomatosis. Last evaluated: 2018-01-13. Review status: criteria provided, single submitter. Criteria: ICSL Variant Classification Criteria 13 December 2019. Collection method: clinical testing. Allele origin: germline.
Comment: This variant was observed in the ICSL laboratory as part of a predisposition screen in an ostensibly healthy population. It had not been previously curated by ICSL or reported in the Human Gene Mutation Database (HGMD: prior to June 1st, 2018), and was therefore a candidate for classification through an automated scoring system. Utilizing variant allele frequency, disease prevalence and penetrance estimates, and inheritance mode, an automated score was calculated to assess if this variant is too frequent to cause the disease. Based on the score and internal cut-off values, a variant classified as benign is not then subjected to further curation. The score for this variant resulted in a classification of benign for this disease.

Breakthrough Genomics
Classification: Benign. Review status: criteria provided, single submitter. Criteria: ACMG Guidelines, 2015. Collection method: not provided. Allele origin: germline. Inheritance: Autosomal recessive inheritance. Affected: yes.

NM_177924.5(ASAH1):c.*687C>G

Gene: ASAH1 (N-acylsphingosine amidohydrolase 1; minus strand). Cytogenetic location: 8p22.
Variant type: single nucleotide variant.
Coding change: c.*687C>G on transcript NM_177924.5 (MANE Select); 687 bases downstream of the stop codon, C replaced by G.
Molecular consequence: 3 prime UTR variant.
Genome position (GRCh38, 1-based): chr8:18,056,847, G>C on the plus strand (C>G on the coding strand, the complement: ASAH1 is on the minus strand). VCF-style: chr8-18056847-G-C. GRCh37 (hg19) VCF-style: chr8-17914356-G-C.
Other names: c.*687C>G (NM_001127505.3, NM_001363743.2, NM_004315.6).
Identifiers: ClinVar variation 362359 (VCV000362359.6), dbSNP rs6771, ClinGen allele CA10625081.